The following is an entry in ClinVar:

ClinVar aggregate classification (germline): Conflicting classifications of pathogenicity. Review status: criteria provided, conflicting classifications (1 of 4 stars). 6 submissions from 6 submitters: Uncertain significance (1); Benign (1); Likely benign (3). 1 of the submissions does not count toward it. Last evaluated 2026-06-24.

Conditions:
Dyskeratosis congenita, autosomal recessive 5 (DKCB5). Identifiers: MedGen C3554656, MONDO:0014076, OMIM 615190.
Pulmonary fibrosis and/or bone marrow failure, Telomere-related, 3. Also called: PULMONARY FIBROSIS AND/OR BONE MARROW FAILURE SYNDROME, TELOMERE-RELATED, 3. Identifiers: Orphanet 2032, MedGen C4225346, MONDO:0014613, OMIM 616373.
Dyskeratosis congenita. Identifiers: Orphanet 1775, MedGen C0265965, MONDO:0015780.
Inborn genetic diseases. Identifiers: MedGen C0950123, MeSH D030342.

Allele frequency attached by ClinVar (database versions not stated): gnomAD 0.00004 and 0.00007; gnomAD exomes 0.00004 and 0.00015; TOPMed 0.00005; ExAC 0.00022; 1000 Genomes Project 0.00040; 1000 Genomes Project 30x 0.00078.
gnomAD v4.1: 71 of 1,604,796 alleles (0.0044%); highest among the groups gnomAD compares: East Asian, 0.081%; 1 homozygote.

Submissions (6):

GeneDx
Classification: Uncertain significance. Last evaluated: 2026-06-24. Review status: criteria provided, single submitter. Criteria: GeneDx Variant Classification Process June 2021. Collection method: clinical testing. Allele origin: germline.
Comment: In silico analysis supports that this missense variant has a deleterious effect on protein structure/function; Has not been previously published as pathogenic or benign to our knowledge

Labcorp Genetics (formerly Invitae), Labcorp
Classification: Benign for Dyskeratosis congenita, autosomal recessive 5; Pulmonary fibrosis and/or bone marrow failure, Telomere-related, 3. Last evaluated: 2026-01-28. Review status: criteria provided, single submitter. Criteria: Invitae Variant Classification Sherloc (09022015). Collection method: clinical testing. Allele origin: germline.

Blueprint Genetics
Classification: Likely benign. Last evaluated: 2024-10-11. Review status: criteria provided, single submitter. Criteria: ACMG Guidelines, 2015. Collection method: clinical testing. Allele origin: germline.

Ambry Genetics
Classification: Likely benign for Inborn genetic diseases. Last evaluated: 2023-02-15. Review status: criteria provided, single submitter. Criteria: Ambry Variant Classification Scheme 2023. Collection method: clinical testing. Allele origin: germline.

Sema4
Classification: Likely benign for Dyskeratosis congenita. Last evaluated: 2020-04-28. Review status: criteria provided, single submitter. Criteria: Sema4 Curation Guidelines. Collection method: curation. Allele origin: germline.

Natera, Inc.
Classification: Uncertain significance for Dyskeratosis congenita. Last evaluated: 2020-02-13. Review status: no assertion criteria provided. Collection method: clinical testing. Allele origin: germline. Not counted in ClinVar's aggregate classification.

NM_001283009.2(RTEL1):c.2428G>A (p.Gly810Arg)

Genes: RTEL1 (regulator of telomere elongation helicase 1; plus strand), RTEL1-TNFRSF6B (RTEL1-TNFRSF6B readthrough (NMD candidate); plus strand). Cytogenetic location: 20q13.33.
Variant type: single nucleotide variant.
Coding change: c.2428G>A on transcript NM_001283009.2 (MANE Select); coding-DNA position 2428, G replaced by A.
Protein change: p.Gly810Arg; replaces glycine 810 with arginine.
Molecular consequence: missense variant. On other transcripts: non-coding transcript variant (1).
Genome position (GRCh38, 1-based): chr20:63,690,819, G>A. VCF-style: chr20-63690819-G-A. GRCh37 (hg19) VCF-style: chr20-62322172-G-A.
Other names: c.1759G>A, p.Gly587Arg (NM_001283010.1); c.2428G>A, p.Gly810Arg (NM_016434.4); c.2500G>A, p.Gly834Arg (NM_032957.5); short protein forms G587R, G834R, G810R.
Identifiers: ClinVar variation 711569 (VCV000711569.18), dbSNP rs545613984, ClinGen allele CA9965360.
Genomic context (GRCh38, chr20:63,690,819, plus strand): 5'-CTGGGGCCCCCCGTGGGCTTCACTGCGCACTCGGGTGCCCCTGCAGGGTCACCAGCTGCC[G>A]GGGACCCCGAGAGTAGCCTGTGTGTGGAGTATGAGCAGGAGCCAGTTCCTGCCCGGCAGA-3'
Protein context (NP_001269938.1, residues 800-820): KQRSSGSPAA[Gly810Arg]DPESSLCVEY